The following is an entry in ClinVar:

NM_001999.4(FBN2):c.2021T>A (p.Ile674Asn)

Gene: FBN2 (fibrillin 2; minus strand). Cytogenetic location: 5q23.3.
Variant type: single nucleotide variant.
Coding change: c.2021T>A on transcript NM_001999.4 (MANE Select); coding-DNA position 2021, T replaced by A.
Protein change: p.Ile674Asn; replaces isoleucine 674 with asparagine.
Molecular consequence: missense variant.
Genome position (GRCh38, 1-based): chr5:128,374,702, A>T on the plus strand (T>A on the coding strand, the complement: FBN2 is on the minus strand). VCF-style: chr5-128374702-A-T. GRCh37 (hg19) VCF-style: chr5-127710395-A-T.
Other names: c.2021T>A (NM_001999.3); short protein forms I674N.
Identifiers: ClinVar variation 3067793 (VCV003067793.22), dbSNP rs2479377433, ClinGen allele CA360740397.

ClinVar aggregate classification (germline): Uncertain significance. Review status: criteria provided, multiple submitters, no conflicts (2 of 4 stars). 2 submissions from 2 submitters: Uncertain significance (2). Last evaluated 2026-04-09.

Conditions:
Familial thoracic aortic aneurysm and aortic dissection (TAAD). Also called: Thoracic aortic aneurysms and dissections. Identifiers: Orphanet 91387, MedGen C4707243, MONDO:0019625.

Submissions (2):

Ambry Genetics
Classification: Uncertain significance for Familial thoracic aortic aneurysm and aortic dissection. Last evaluated: 2026-04-09. Review status: criteria provided, single submitter. Criteria: Ambry Variant Classification Scheme 2023. Collection method: clinical testing. Allele origin: germline.
Comment: The p.I674N variant (also known as c.2021T>A), located in coding exon 15 of the FBN2 gene, results from a T to A substitution at nucleotide position 2021. The isoleucine at codon 674 is replaced by asparagine, an amino acid with dissimilar properties. This amino acid position is conserved. In addition, this alteration is predicted to be deleterious by in silico analysis. Based on the available evidence, the clinical significance of this variant remains unclear.

CeGaT Center for Human Genetics Tuebingen
Classification: Uncertain significance. Last evaluated: 2024-03-01. Review status: criteria provided, single submitter. Criteria: CeGaT Center For Human Genetics Tuebingen Variant Classification Criteria Version 2. Collection method: clinical testing. Allele origin: germline. Affected: yes. Observed: 1 variant allele.
Comment: FBN2: PM2